The following is an entry in ClinVar:

NM_000535.7(PMS2):c.904-13G>T

Gene: PMS2 (PMS1 homolog 2, mismatch repair system component; minus strand). Cytogenetic location: 7p22.1.
Variant type: single nucleotide variant.
Coding change: c.904-13G>T on transcript NM_000535.7 (MANE Select); 13 bases into the intron before coding-DNA position 904, G replaced by T.
Molecular consequence: intron variant.
Genome position (GRCh38, 1-based): chr7:5,992,070, C>A on the plus strand (G>T on the coding strand, the complement: PMS2 is on the minus strand). VCF-style: chr7-5992070-C-A. GRCh37 (hg19) VCF-style: chr7-6031701-C-A.
Other names: c.586-13G>T (NM_001322008.2, NM_001322007.2); c.499-13G>T (NM_001322010.2, NM_001322004.2, NM_001322003.2 and 2 more transcripts); c.331-13G>T (NM_001322013.2); c.-30-13G>T (NM_001322012.2, NM_001322011.2); c.595-13G>T (NM_001322015.2); c.904-13G>T (NM_001322006.2, NM_001322014.2).
Identifiers: ClinVar variation 921423 (VCV000921423.3), dbSNP rs1783816031, ClinGen allele CA913188213.

ClinVar aggregate classification (germline): Likely benign. Review status: criteria provided, multiple submitters, no conflicts (2 of 4 stars). 2 submissions from 2 submitters: Likely benign (2). Last evaluated 2025-01-29.

Conditions:
Hereditary cancer-predisposing syndrome. Also called: Neoplastic Syndromes, Hereditary; Tumor predisposition; Hereditary Cancer Syndrome; Hereditary neoplastic syndrome. Identifiers: Orphanet 140162, MedGen C0027672, MeSH D009386, MONDO:0015356.
Lynch syndrome 4 (LYNCH4). Also called: Colorectal cancer, hereditary nonpolyposis, type 4; Hereditary non-polyposis colorectal cancer, type 4. Identifiers: Orphanet 144, MedGen C1838333, MONDO:0013699, OMIM 614337. Disease mechanism: loss of function.

Allele frequency attached by ClinVar (database versions not stated): gnomAD exomes below 0.00001.
gnomAD v4.1: 2 of 1,405,268 alleles (0.00014%); highest among the groups gnomAD compares: Non-Finnish European, 0.0002%; no homozygotes.

Submissions (2):

Myriad Genetics, Inc.
Classification: Likely benign for Lynch syndrome 4. Last evaluated: 2025-01-29. Review status: criteria provided, single submitter. Criteria: Myriad Autosomal Dominant, Autosomal Recessive and X-Linked Classification Criteria (2023). Collection method: clinical testing. Allele origin: unknown.
Comment: This variant is considered likely benign. This variant is intronic and is not expected to impact mRNA splicing.

Color Diagnostics, LLC DBA Color Health
Classification: Likely benign for Hereditary cancer-predisposing syndrome. Last evaluated: 2019-04-17. Review status: criteria provided, single submitter. Criteria: ACMG Guidelines, 2015. Collection method: clinical testing. Allele origin: germline.